The following is an entry in ClinVar:

ClinVar aggregate classification (germline): Conflicting classifications of pathogenicity. Review status: criteria provided, conflicting classifications (1 of 4 stars). 8 submissions from 8 submitters: Uncertain significance (1); Benign (1); Likely benign (6). Last evaluated 2025-01-23.

Conditions:
Familial cancer of breast. Also called: Hereditary breast cancer; hereditary breast carcinoma; BREAST CANCER, FAMILIAL. Identifiers: Orphanet 227535, MedGen C0346153, MONDO:0016419, OMIM 114480. Disease mechanism: loss of function.
Hereditary cancer-predisposing syndrome. Also called: Hereditary neoplastic syndrome; Tumor predisposition; Hereditary Cancer Syndrome; Neoplastic Syndromes, Hereditary. Identifiers: Orphanet 140162, MedGen C0027672, MeSH D009386, MONDO:0015356.

Submissions (8):

Labcorp Genetics (formerly Invitae), Labcorp
Classification: Likely benign for Familial cancer of breast. Last evaluated: 2025-01-23. Review status: criteria provided, single submitter. Criteria: Invitae Variant Classification Sherloc (09022015). Collection method: clinical testing. Allele origin: germline.

Myriad Genetics, Inc.
Classification: Benign for Familial cancer of breast. Last evaluated: 2025-01-13. Review status: criteria provided, single submitter. Criteria: Myriad Autosomal Dominant, Autosomal Recessive and X-Linked Classification Criteria (2023). Collection method: clinical testing. Allele origin: unknown.
Comment: This variant is considered benign. This variant is a silent/synonymous amino acid change and it is not expected to impact splicing.

Sema4
Classification: Likely benign for Hereditary cancer-predisposing syndrome. Last evaluated: 2021-11-12. Review status: criteria provided, single submitter. Criteria: Sema4 Curation Guidelines. Collection method: curation. Allele origin: germline.

Women's Health and Genetics/Laboratory Corporation of America, LabCorp
Classification: Likely benign. Last evaluated: 2021-10-20. Review status: criteria provided, single submitter. Criteria: LabCorp Variant Classification Summary - May 2015. Collection method: clinical testing. Allele origin: germline.

Ambry Genetics
Classification: Likely benign for Hereditary cancer-predisposing syndrome. Last evaluated: 2019-03-13. Review status: criteria provided, single submitter. Criteria: Ambry Variant Classification Scheme 2023. Collection method: clinical testing. Allele origin: germline.

Quest Diagnostics Nichols Institute San Juan Capistrano
Classification: Uncertain significance. Last evaluated: 2017-11-20. Review status: criteria provided, single submitter. Criteria: Quest Diagnostics criteria. Collection method: clinical testing. Allele origin: germline.

GeneDx
Classification: Likely benign. Last evaluated: 2017-03-23. Review status: criteria provided, single submitter. Criteria: GeneDx Variant Classification (06012015). Collection method: clinical testing. Allele origin: germline. Affected: yes.
Comment: This variant is considered likely benign or benign based on one or more of the following criteria: it is a conservative change, it occurs at a poorly conserved position in the protein, it is predicted to be benign by multiple in silico algorithms, and/or has population frequency not consistent with disease.

Color Diagnostics, LLC DBA Color Health
Classification: Likely benign for Hereditary cancer-predisposing syndrome. Last evaluated: 2016-10-17. Review status: criteria provided, single submitter. Criteria: ACMG Guidelines, 2015. Collection method: clinical testing. Allele origin: germline.

NM_024675.4(PALB2):c.1227T>C (p.Tyr409=)

Gene: PALB2 (partner and localizer of BRCA2; minus strand). Cytogenetic location: 16p12.2.
Variant type: single nucleotide variant.
Coding change: c.1227T>C on transcript NM_024675.4 (MANE Select); coding-DNA position 1227, T replaced by C.
Protein change: p.Tyr409=; no amino-acid change (tyrosine 409 retained).
Molecular consequence: synonymous variant.
Genome position (GRCh38, 1-based): chr16:23,635,319, A>G on the plus strand (T>C on the coding strand, the complement: PALB2 is on the minus strand). VCF-style: chr16-23635319-A-G. GRCh37 (hg19) VCF-style: chr16-23646640-A-G.
Identifiers: ClinVar variation 492154 (VCV000492154.21), dbSNP rs1555461386, ClinGen allele CA494461670.